The following is an entry in ClinVar:

ClinVar aggregate classification (germline): Uncertain significance. Review status: criteria provided, single submitter (1 of 4 stars). 2 submissions from 2 submitters: Uncertain significance (1). 1 of the submissions does not count toward it. Last evaluated 2026-01-11.

Conditions:
Gorlin syndrome. Also called: Nevoid Basal Cell Carcinoma Syndrome; Basal cell nevus syndrome. Identifiers: Orphanet 377, MedGen C0004779, MONDO:0007187.
Oromandibular-limb hypogenesis spectrum (MBS). Also called: MOEBIUS SEQUENCE; Absence or underdevelopment of the 6th and 7th cranial nerves; Congenital facial diplegia syndrome; Congenital oculofacial paralysis; Möbius Syndrome. Identifiers: Orphanet 570, MedGen C0221060, MONDO:0008006, OMIM 157900.

Allele frequency attached by ClinVar (database versions not stated): TOPMed 0.00002.
gnomAD v4.1: 97 of 1,614,032 alleles (0.006%); highest among the groups gnomAD compares: East Asian, 0.17%; no homozygotes.

Submissions (3):

Labcorp Genetics (formerly Invitae), Labcorp
Classification: Uncertain significance for Gorlin syndrome. Last evaluated: 2026-01-11. Review status: criteria provided, single submitter. Criteria: Invitae Variant Classification Sherloc (09022015). Collection method: clinical testing. Allele origin: germline.
Comment: This sequence change replaces arginine, which is basic and polar, with leucine, which is neutral and non-polar, at codon 673 of the PTCH2 protein (p.Arg673Leu). This variant is present in population databases (rs760548568, gnomAD 0.02%). This missense change has been observed in individual(s) with Gorlin syndrome (PMID: 28915250). ClinVar contains an entry for this variant (Variation ID: 254114). Invitae Evidence Modeling of protein sequence and biophysical properties (such as structural, functional, and spatial information, amino acid conservation, physicochemical variation, residue mobility, and thermodynamic stability) indicates that this missense variant is not expected to disrupt PTCH2 protein function with a negative predictive value of 80%. In summary, the available evidence is currently insufficient to determine the role of this variant in disease. Therefore, it has been classified as a Variant of Uncertain Significance.

CHU Sainte-Justine Research Center, University of Montreal
Classification: Likely benign for Oromandibular-limb hypogenesis spectrum. Last evaluated: 2016-08-12. Review status: no assertion criteria provided. Collection method: research. Allele origin: inherited. Affected: yes. Not counted in ClinVar's aggregate classification.

Dr. Peter K. Rogan Lab, Western University
No classification provided (evidence only). Condition: Gastric cancer. Review status: no classification provided. Collection method: in vitro. Allele origin: not applicable. Functional consequence: retained intron. Not counted in ClinVar's aggregate classification.

Literature cited by the submitters: PubMed 28915250 (cited by Labcorp Genetics (formerly Invitae), Labcorp).

NM_003738.5(PTCH2):c.2018G>T (p.Arg673Leu)

Gene: PTCH2 (patched 2; minus strand). Cytogenetic location: 1p34.1.
Variant type: single nucleotide variant.
Coding change: c.2018G>T on transcript NM_003738.5 (MANE Select); coding-DNA position 2018, G replaced by T.
Protein change: p.Arg673Leu; replaces arginine 673 with leucine.
Molecular consequence: missense variant.
Genome position (GRCh38, 1-based): chr1:44,827,883, C>A on the plus strand (G>T on the coding strand, the complement: PTCH2 is on the minus strand). VCF-style: chr1-44827883-C-A. GRCh37 (hg19) VCF-style: chr1-45293555-C-A.
Other names: c.2018G>T, p.Arg673Leu (NM_001166292.2); short protein forms R673L.
Identifiers: ClinVar variation 254114 (VCV000254114.8), dbSNP rs760548568, ClinGen allele CA823129.
Genomic context (GRCh38, chr1:44,827,883, plus strand): 5'-CCTGCTCTGCCCAGTCTTACCTTAGCATGTGACTGGAGCAGCAACGGGGCAAACTGATAG[C>A]GGGCGAAATGGGCAAGATTCCAGCGGGCACAGGGCAGGGACTTGCAGGCTGCCTTCTGCC-3'
Protein context (NP_003729.3, residues 663-683): CARWNLAHFA[Arg673Leu]YQFAPLLLQS